The following is an entry in ClinVar:

NM_001355436.2(SPTB):c.5462C>T (p.Pro1821Leu)

Gene: SPTB (spectrin beta, erythrocytic; minus strand). Cytogenetic location: 14q23.3.
Variant type: single nucleotide variant.
Coding change: c.5462C>T on transcript NM_001355436.2 (MANE Select); coding-DNA position 5462, C replaced by T.
Protein change: p.Pro1821Leu; replaces proline 1821 with leucine.
Molecular consequence: missense variant.
Genome position (GRCh38, 1-based): chr14:64,772,671, G>A on the plus strand (C>T on the coding strand, the complement: SPTB is on the minus strand). VCF-style: chr14-64772671-G-A. GRCh37 (hg19) VCF-style: chr14-65239389-G-A.
Other names: c.5462C>T, p.Pro1821Leu (NM_001024858.4, NM_001355437.2); short protein forms P1821L.
Identifiers: ClinVar variation 1954145 (VCV001954145.5), dbSNP rs1304147798, ClinGen allele CA390040850.

ClinVar aggregate classification (germline): Uncertain significance (1 of 4 stars; one submission).

Allele frequency attached by ClinVar (database versions not stated): gnomAD exomes below 0.00001.
gnomAD v4.1: 1 of 1,613,542 alleles (0.000062%); highest among the groups gnomAD compares: Admixed American, 0.0017%; no homozygotes.

Submission:

Labcorp Genetics (formerly Invitae), Labcorp
Classification: Uncertain significance. Last evaluated: 2022-03-18. Review status: criteria provided, single submitter. Criteria: Invitae Variant Classification Sherloc (09022015). Collection method: clinical testing. Allele origin: germline.
Comment: In summary, the available evidence is currently insufficient to determine the role of this variant in disease. Therefore, it has been classified as a Variant of Uncertain Significance. Algorithms developed to predict the effect of missense changes on protein structure and function are either unavailable or do not agree on the potential impact of this missense change (SIFT: "Deleterious"; PolyPhen-2: "Probably Damaging"; Align-GVGD: "Class C15"). This variant has not been reported in the literature in individuals affected with SPTB-related conditions. This variant is present in population databases (no rsID available, gnomAD 0.003%). This sequence change replaces proline, which is neutral and non-polar, with leucine, which is neutral and non-polar, at codon 1821 of the SPTB protein (p.Pro1821Leu).